The following is an entry in ClinVar:

ClinVar aggregate classification (germline): Pathogenic. Review status: reviewed by expert panel (3 of 4 stars). 15 submissions from 15 submitters: Pathogenic (1). 14 of the submissions do not count toward it. Last evaluated 2017-03-17.

Conditions:
CFTR-related disorder (CFTR-RD). Also called: CFTR-related condition; CFTR-related disorders. Identifiers: MedGen C5924204, MONDO:7770004.
Hereditary pancreatitis (PCTT). Also called: PRSS1-Related Hereditary Pancreatitis; Hereditary chronic pancreatitis. Identifiers: Orphanet 676, MedGen C0238339, MONDO:0008185, OMIM 167800.
Cystic fibrosis (CF). Also called: MUCOVISCIDOSIS. Identifiers: Orphanet 586, MedGen C0010674, MONDO:0009061, OMIM 219700. Disease mechanism: loss of function.
Bronchiectasis with or without elevated sweat chloride 1 (BESC1). Also called: Cystic Fibrosis-Like Syndrome. Identifiers: Orphanet 60033, MedGen C2749757, MONDO:0008887, OMIM 211400.
Congenital bilateral aplasia of vas deferens from CFTR mutation (CBAVD). Identifiers: Orphanet 48, MedGen C0403814, MONDO:0010178, OMIM 277180. Disease mechanism: loss of function.

Allele frequency attached by ClinVar (database versions not stated): gnomAD exomes below 0.00001; TOPMed below 0.00001; gnomAD 0.00003.
gnomAD v4.1: 9 of 1,613,790 alleles (0.00056%); highest among the groups gnomAD compares: Admixed American, 0.01%; no homozygotes.

Submissions (15):

CFTR2
Classification: Pathogenic for Cystic fibrosis. Last evaluated: 2017-03-17. Review status: reviewed by expert panel. Criteria: Sosnay PR et al. (Nat Genet 2013). Collection method: research. Allele origin: germline. Affected: yes. Study: CFTR2.

Natera, Inc.
Classification: Pathogenic for CFTR-related disorders. Last evaluated: 2025-12-28. Review status: criteria provided, single submitter. Criteria: Natera Variant Classification Schema (03/2026). Collection method: clinical testing. Allele origin: germline. Not counted in ClinVar's aggregate classification.
Comment: The c.2668C>T variant in CFTR is a nonsense variant predicted to introduce a stop codon at amino acid 890. This variant is expected to result in nonsense mediated decay, truncation, or a dysfunctional protein product. This variant is rare in the general population with a frequency below the threshold expected for the associated phenotype(s). This variant has been observed in one or more individuals affected with the associated recessive disease, as either homozygous or compound heterozygous with a second variant (PMID: 30996306). Given the available evidence, this variant is classified as Pathogenic.

PreventionGenetics, part of Exact Sciences
Classification: Pathogenic for CFTR-related condition. Last evaluated: 2025-12-15. Review status: criteria provided, single submitter. Criteria: ACMG Guidelines, 2015. Collection method: clinical testing. Allele origin: germline. Not counted in ClinVar's aggregate classification.
Comment: The CFTR c.2668C>T variant is predicted to result in premature protein termination (p.Gln890*). This variant has been reported in association with Cystic fibrosis (Tsui et al. 1992. PubMed ID: 1284534; Castellani et al. 2008. PubMed ID: 18456578; Supplementary Table 2, Sosnay et al. 2013. PubMed ID: 23974870). In addition, this variant has been reported in the compound heterozygous state with the CFTR ΔF508 variant in two related Portuguese individuals with Cystic fibrosis (Ghanem et al. 1994. PubMed ID: 7522211). This variant has not been reported in a large population database (gnomAD), indicating this variant is rare. Nonsense variants in CFTR are expected to be pathogenic. This variant is interpreted as pathogenic.

Labcorp Genetics (formerly Invitae), Labcorp
Classification: Pathogenic for Cystic fibrosis. Last evaluated: 2025-12-14. Review status: criteria provided, single submitter. Criteria: Invitae Variant Classification Sherloc (09022015). Collection method: clinical testing. Allele origin: germline. Not counted in ClinVar's aggregate classification.
Comment: This sequence change creates a premature translational stop signal (p.Gln890*) in the CFTR gene. It is expected to result in an absent or disrupted protein product. Loss-of-function variants in CFTR are known to be pathogenic (PMID: 1695717, 7691345, 9725922). This variant is not present in population databases (gnomAD no frequency). This premature translational stop signal has been observed in individual(s) with clinical features of cystic fibrosis (PMID: 7522211). ClinVar contains an entry for this variant (Variation ID: 7204). Algorithms developed to predict the effect of sequence changes on RNA splicing suggest that this variant may disrupt the consensus splice site. For these reasons, this variant has been classified as Pathogenic.

Fulgent Genetics
Classification: Pathogenic for Hereditary pancreatitis; Bronchiectasis with or without elevated sweat chloride 1; Cystic fibrosis; Congenital bilateral aplasia of vas deferens from CFTR mutation. Last evaluated: 2024-05-24. Review status: criteria provided, single submitter. Criteria: ACMG Guidelines, 2015. Collection method: clinical testing. Allele origin: germline. Not counted in ClinVar's aggregate classification.

Baylor Genetics
Classification: Pathogenic for Bronchiectasis with or without elevated sweat chloride 1. Last evaluated: 2023-02-16. Review status: criteria provided, single submitter. Criteria: ACMG Guidelines, 2015. Collection method: clinical testing. Allele origin: unknown. Not counted in ClinVar's aggregate classification.

Johns Hopkins Genomics, Johns Hopkins University
Classification: Pathogenic for Cystic fibrosis. Last evaluated: 2021-08-23. Review status: criteria provided, single submitter. Criteria: ACMG Guidelines, 2015. Collection method: clinical testing. Allele origin: germline. Not counted in ClinVar's aggregate classification.
Comment: Disease-causing CFTR variant. See CFTR2 for phenotype information.

Women's Health and Genetics/Laboratory Corporation of America, LabCorp
Classification: Pathogenic for Cystic fibrosis. Last evaluated: 2021-02-22. Review status: criteria provided, single submitter. Criteria: LabCorp Variant Classification Summary - May 2015. Collection method: clinical testing. Allele origin: germline. Not counted in ClinVar's aggregate classification.
Comment: Variant summary: CFTR c.2668C>T (p.Gln890X) results in a premature termination codon, predicted to cause a truncation of the encoded protein or absence of the protein due to nonsense mediated decay, which are commonly known mechanisms for disease. Truncations downstream of this position have been classified as pathogenic by our laboratory. The variant was absent in 251194 control chromosomes. c.2668C>T has been reported in the literature in multiple individuals affected with Cystic Fibrosis (example, Tsui_1992, Ghanem_1994, Sosnay_2013). These data indicate that the variant is very likely to be associated with disease. Three clinical diagnostic laboratories and one expert panel (CFTR2) have submitted clinical-significance assessments for this variant to ClinVar after 2014 without evidence for independent evaluation. All submitters classified the variant as pathogenic. Based on the evidence outlined above, the variant was classified as pathogenic.

CFTR-France
Classification: Pathogenic for cystic fibrosis. Last evaluated: 2018-01-29. Review status: criteria provided, single submitter. Criteria: Claustres M et al. (Hum Mutat 2017). Collection method: curation. Allele origin: germline. Affected: yes. Not counted in ClinVar's aggregate classification.

Quest Diagnostics Nichols Institute San Juan Capistrano
Classification: Pathogenic. Last evaluated: 2017-06-07. Review status: criteria provided, single submitter. Criteria: Quest Diagnostics criteria. Collection method: clinical testing. Allele origin: germline. Not counted in ClinVar's aggregate classification.

Ambry Genetics
Classification: Pathogenic for Cystic fibrosis. Last evaluated: 2015-02-06. Review status: criteria provided, single submitter. Criteria: Ambry Variant Classification Scheme 2023. Collection method: clinical testing. Allele origin: germline. Not counted in ClinVar's aggregate classification.
Comment: The p.Q890* pathogenic mutation (also known as c.2668C>T), located in coding exon 17 of the CFTR gene, results from a C to T substitution at nucleotide position 2668. This changes the amino acid from a glutamine to a stop codon within coding exon 17. This mutation was originally detected in two individuals in a Portuguese family with classic CF and nasal polyposis, both with deltaF508 on the other chromosome and one noted to have an elevated sweat chloride of 140 mmol/L (Ghanem N et al. Genomics. 1994;21(2):434-436). In addition to the clinical data presented in the literature, since premature stop codons are typically deleterious in nature, this alteration is interpreted as a disease-causing mutation (ACMG Recommendations for Standards for Interpretation and Reporting of Sequence Variations. Revision 2007. Genet Med. 2008;10:294).

Counsyl
Classification: Pathogenic for Cystic fibrosis. Last evaluated: 2016-02-03. Review status: no assertion criteria provided. Collection method: clinical testing. Allele origin: unknown. Not counted in ClinVar's aggregate classification.

OMIM
Classification: Pathogenic for CYSTIC FIBROSIS. Last evaluated: 1994-05-15. Review status: no assertion criteria provided. Collection method: literature only. Allele origin: germline. Not counted in ClinVar's aggregate classification.

Diagnostic Laboratory, Department of Genetics, University Medical Center Groningen
Classification: Pathogenic. Review status: no assertion criteria provided. Collection method: clinical testing. Allele origin: germline. Affected: yes. Study: VKGL Data-share Consensus. Not counted in ClinVar's aggregate classification.

Joint Genome Diagnostic Labs from Nijmegen and Maastricht, Radboudumc and MUMC+
Classification: Pathogenic. Review status: no assertion criteria provided. Collection method: clinical testing. Allele origin: germline. Affected: yes. Study: VKGL Data-share Consensus. Not counted in ClinVar's aggregate classification.

Literature cited by the submitters: PubMed 30996306 (cited by Natera, Inc.); PubMed 1695717 (cited by Labcorp Genetics (formerly Invitae), Labcorp); PubMed 7691345 (cited by Labcorp Genetics (formerly Invitae), Labcorp); PubMed 9725922 (cited by Labcorp Genetics (formerly Invitae), Labcorp); PubMed 7522211 (cited by 5 submitters); PubMed 1284534 (cited by Women's Health and Genetics/Laboratory Corporation of America, LabCorp and Quest Diagnostics Nichols Institute San Juan Capistrano); PubMed 18456578 (cited by Women's Health and Genetics/Laboratory Corporation of America, LabCorp and Quest Diagnostics Nichols Institute San Juan Capistrano); PubMed 23974870 (cited by Women's Health and Genetics/Laboratory Corporation of America, LabCorp and Quest Diagnostics Nichols Institute San Juan Capistrano); PubMed 22975760 (cited by Women's Health and Genetics/Laboratory Corporation of America, LabCorp and Quest Diagnostics Nichols Institute San Juan Capistrano).

NM_000492.4(CFTR):c.2668C>T (p.Gln890Ter)

Gene: CFTR (CF transmembrane conductance regulator; plus strand). Cytogenetic location: 7q31.2.
Variant type: single nucleotide variant.
Coding change: c.2668C>T on transcript NM_000492.4 (MANE Select); coding-DNA position 2668, C replaced by T.
Protein change: p.Gln890Ter; replaces glutamine 890 with a stop codon.
Molecular consequence: nonsense.
Genome position (GRCh38, 1-based): chr7:117,603,542, C>T. VCF-style: chr7-117603542-C-T. GRCh37 (hg19) VCF-style: chr7-117243596-C-T.
Other names: short protein forms Q890*.
Identifiers: ClinVar variation 7204 (VCV000007204.26), dbSNP rs79633941, ClinGen allele CA325590.